The following is an entry in ClinVar:

NM_001710.6(CFB):c.52C>A (p.Leu18Ile)

Gene: CFB (complement factor B; plus strand). Cytogenetic location: 6p21.33.
Variant type: single nucleotide variant.
Coding change: c.52C>A on transcript NM_001710.6 (MANE Select); coding-DNA position 52, C replaced by A.
Protein change: p.Leu18Ile; replaces leucine 18 with isoleucine.
Molecular consequence: missense variant.
Genome position (GRCh38, 1-based): chr6:31,946,273, C>A. VCF-style: chr6-31946273-C-A. GRCh37 (hg19) VCF-style: chr6-31914050-C-A.
Other names: short protein forms L18I.
Identifiers: ClinVar variation 1464683 (VCV001464683.6), dbSNP rs2151779930, ClinGen allele CA363387560.

ClinVar aggregate classification (germline): Uncertain significance (1 of 4 stars; one submission).

Submission:

Labcorp Genetics (formerly Invitae), Labcorp
Classification: Uncertain significance. Last evaluated: 2021-10-28. Review status: criteria provided, single submitter. Criteria: Invitae Variant Classification Sherloc (09022015). Collection method: clinical testing. Allele origin: germline.
Comment: In summary, the available evidence is currently insufficient to determine the role of this variant in disease. Therefore, it has been classified as a Variant of Uncertain Significance. Algorithms developed to predict the effect of missense changes on protein structure and function (SIFT, PolyPhen-2, Align-GVGD) all suggest that this variant is likely to be tolerated. This variant has not been reported in the literature in individuals affected with CFB-related conditions. This variant is not present in population databases (gnomAD no frequency). This sequence change replaces leucine, which is neutral and non-polar, with isoleucine, which is neutral and non-polar, at codon 18 of the CFB protein (p.Leu18Ile).